The following is an entry in ClinVar:

NM_000543.5(SMPD1):c.797T>C (p.Leu266Pro)

Gene: SMPD1 (sphingomyelin phosphodiesterase 1; plus strand). Cytogenetic location: 11p15.4.
Variant type: single nucleotide variant.
Coding change: c.797T>C on transcript NM_000543.5 (MANE Select); coding-DNA position 797, T replaced by C.
Protein change: p.Leu266Pro; replaces leucine 266 with proline.
Molecular consequence: missense variant. On other transcripts: 5 prime UTR variant (1), non-coding transcript variant (1).
Genome position (GRCh38, 1-based): chr11:6,391,862, T>C. VCF-style: chr11-6391862-T-C. GRCh37 (hg19) VCF-style: chr11-6413092-T-C.
Other names: c.794T>C, p.Leu265Pro (NM_001007593.3); c.797T>C, p.Leu266Pro (NM_001318087.2, NM_001365135.2); c.-165T>C (NM_001318088.2); short protein forms L265P, L266P.
Identifiers: ClinVar variation 992689 (VCV000992689.3), dbSNP rs1847932355, ClinGen allele CA379371031.

ClinVar aggregate classification (germline): Conflicting classifications of pathogenicity. Review status: criteria provided, conflicting classifications (1 of 4 stars). 3 submissions from 3 submitters: Likely pathogenic (1); Uncertain significance (2). Last evaluated 2026-06-30.

Conditions:
Acid sphingomyelinase deficiency. Identifiers: Orphanet 618899, MedGen C5243927, MONDO:0100464.
Niemann-Pick disease, type A. Also called: Infantile Neurovisceral ASMD (Niemann-Pick Disease Type A; NPD-A); SPHINGOMYELIN LIPIDOSIS; SPHINGOMYELINASE DEFICIENCY. Identifiers: Orphanet 77292, MedGen C0268242, MONDO:0009756, OMIM 257200. Disease mechanism: loss of function.
Niemann-Pick disease, type B. Also called: Chronic Visceral ASMD (Niemann-Pick Disease Type B; NPD-B). Identifiers: Orphanet 77293, MedGen C0268243, MONDO:0011871, OMIM 607616. Disease mechanism: loss of function.

Submissions (3):

Myriad Genetics, Inc.
Classification: Uncertain significance for Acid sphingomyelinase deficiency. Last evaluated: 2026-06-30. Review status: criteria provided, single submitter. Criteria: Myriad Autosomal Dominant, Autosomal Recessive and X-Linked Classification Criteria (2023). Collection method: clinical testing. Allele origin: unknown.
Comment: NM_000543.4(SMPD1):c.797T>C(L266P) is a missense variant classified as a variant of uncertain significance in the context of Niemann-Pick disease, SMPD1-related. L266P has been observed in a case with relevant disease (PMID: 33675270). Relevant functional assessments of this variant are not available in the literature. L266P has not been observed in referenced population frequency databases. In summary, there is insufficient evidence to classify NM_000543.4(SMPD1):c.797T>C(L266P) as pathogenic or benign. Please note: this variant was assessed in the context of healthy population screening.

Revvity Omics, Revvity
Classification: Uncertain significance. Last evaluated: 2024-03-28. Review status: criteria provided, single submitter. Criteria: ACMG Guidelines, 2015. Collection method: clinical testing. Allele origin: germline.

Huiwen Zhang's lab, Shanghai Jiao Tong University School of Medicine, Xinhua Hospital
Classification: Likely pathogenic for Niemann-Pick disease, type A; Niemann-Pick disease, type B. Last evaluated: 2020-12-30. Review status: criteria provided, single submitter. Criteria: ACMG Guidelines, 2015. Collection method: clinical testing. Allele origin: inherited. Affected: yes.

Literature cited by the submitters: PubMed 33675270 (cited by Myriad Genetics, Inc.).